The following is an entry in ClinVar:

ClinVar aggregate classification (germline): Uncertain significance (1 of 4 stars; one submission).

Submission:

Labcorp Genetics (formerly Invitae), Labcorp
Classification: Uncertain significance. Last evaluated: 2025-04-21. Review status: criteria provided, single submitter. Criteria: Invitae Variant Classification Sherloc (09022015). Collection method: clinical testing. Allele origin: germline.
Comment: This sequence change replaces histidine, which is basic and polar, with tyrosine, which is neutral and polar, at codon 689 of the FN1 protein (p.His689Tyr). This variant is not present in population databases (gnomAD no frequency). This variant has not been reported in the literature in individuals affected with FN1-related conditions. An algorithm developed to predict the effect of missense changes on protein structure and function (PolyPhen-2) suggests that this variant is likely to be tolerated. In summary, the available evidence is currently insufficient to determine the role of this variant in disease. Therefore, it has been classified as a Variant of Uncertain Significance.

NM_212482.4(FN1):c.2065C>T (p.His689Tyr)

Gene: FN1 (fibronectin 1; minus strand). Cytogenetic location: 2q35.
Variant type: single nucleotide variant.
Coding change: c.2065C>T on transcript NM_212482.4 (MANE Select); coding-DNA position 2065, C replaced by T.
Protein change: p.His689Tyr; replaces histidine 689 with tyrosine.
Molecular consequence: missense variant.
Genome position (GRCh38, 1-based): chr2:215,409,991, G>A on the plus strand (C>T on the coding strand, the complement: FN1 is on the minus strand). VCF-style: chr2-215409991-G-A. GRCh37 (hg19) VCF-style: chr2-216274714-G-A.
Other names: c.2065C>T, p.His689Tyr (NM_001306129.2, NM_001306130.2, NM_001306131.2 and 13 more transcripts); short protein forms H689Y.
Identifiers: ClinVar variation 4755275 (VCV004755275.1).